The following is an entry in ClinVar:

NM_024580.6(EFL1):c.1486C>T (p.Leu496Phe)

Gene: EFL1 (elongation factor like GTPase 1; minus strand). Cytogenetic location: 15q25.2.
Variant type: single nucleotide variant.
Coding change: c.1486C>T on transcript NM_024580.6 (MANE Select); coding-DNA position 1486, C replaced by T.
Protein change: p.Leu496Phe; replaces leucine 496 with phenylalanine.
Molecular consequence: missense variant. On other transcripts: non-coding transcript variant (1).
Genome position (GRCh38, 1-based): chr15:82,219,777, G>A on the plus strand (C>T on the coding strand, the complement: EFL1 is on the minus strand). VCF-style: chr15-82219777-G-A. GRCh37 (hg19) VCF-style: chr15-82512118-G-A.
Other names: p.Leu496Phe; c.1333C>T, p.Leu445Phe (NM_001040610.3); c.697C>T, p.Leu233Phe (NM_001322844.2); c.1486C>T, p.Leu496Phe (NM_001322845.2); short protein forms L233F, L445F, L496F.
Identifiers: ClinVar variation 1165993 (VCV001165993.13), dbSNP rs116871238, ClinGen allele CA7697962.
Genomic context (GRCh38, chr15:82,219,777, plus strand): 5'-CCACACCACTGAACACCCGAGCAAATGCAATAAAAGACTCTTGGTTGTTTTCTTCCTGGA[G>A]CACAGGTTTAGGGGTCATACTTTCCACCTGTTGCTCGTCACCTGACAGAAACAAAAAGAT-3'
Protein context (NP_078856.4, residues 486-506): QVESMTPKPV[Leu496Phe]QEENNQESFI

ClinVar aggregate classification (germline): Benign/Likely benign. Review status: criteria provided, multiple submitters, no conflicts (2 of 4 stars). 5 submissions from 5 submitters: Benign (3); Likely benign (2). Last evaluated 2026-02-03.

Allele frequency attached by ClinVar (database versions not stated): TOPMed 0.01399; 1000 Genomes Project 30x 0.01437; gnomAD 0.01474 and 0.01491; ESP Exome Variant Server 0.01477; 1000 Genomes Project 0.01518; ExAC 0.01646; gnomAD exomes 0.01743.
gnomAD v4.1: 27,752 of 1,614,004 alleles (1.7%); highest among the groups gnomAD compares: Non-Finnish European, 1.8%; 281 homozygotes.

Submissions (5):

Labcorp Genetics (formerly Invitae), Labcorp
Classification: Benign. Last evaluated: 2026-02-03. Review status: criteria provided, single submitter. Criteria: Invitae Variant Classification Sherloc (09022015). Collection method: clinical testing. Allele origin: germline.

Women's Health and Genetics/Laboratory Corporation of America, LabCorp
Classification: Likely benign. Last evaluated: 2026-01-22. Review status: criteria provided, single submitter. Criteria: LabCorp Variant Classification Summary - May 2015. Collection method: clinical testing. Allele origin: germline.

Blueprint Genetics
Classification: Likely benign. Last evaluated: 2024-11-27. Review status: criteria provided, single submitter. Criteria: ACMG Guidelines, 2015. Collection method: clinical testing. Allele origin: germline.

Mayo Clinic Laboratories, Mayo Clinic
Classification: Benign. Last evaluated: 2023-09-25. Review status: criteria provided, single submitter. Criteria: ACMG Guidelines, 2015. Collection method: clinical testing. Allele origin: germline. Observed: 23 variant alleles.
Comment: BS1, BS2, BP4

Breakthrough Genomics
Classification: Benign. Review status: criteria provided, single submitter. Criteria: ACMG Guidelines, 2015. Collection method: not provided. Allele origin: germline. Inheritance: Autosomal recessive inheritance. Affected: yes.